The following is an entry in ClinVar:

ClinVar aggregate classification (germline): Uncertain significance (1 of 4 stars; one submission).

Submission:

GeneDx
Classification: Uncertain significance. Last evaluated: 2024-08-04. Review status: criteria provided, single submitter. Criteria: GeneDx Variant Classification Process June 2021. Collection method: clinical testing. Allele origin: germline. Affected: yes.
Comment: Not observed at significant frequency in large population cohorts (gnomAD); In silico analysis is inconclusive as to whether the variant alters gene splicing. In the absence of RNA/functional studies, the actual effect of this sequence change is unknown.; Has not been previously published as pathogenic or benign to our knowledge

NM_001042750.2(STAG2):c.2026-8dup

Gene: STAG2 (STAG2 cohesin complex component; plus strand). Cytogenetic location: Xq25.
Variant type: Duplication.
Coding change: c.2026-8dup on transcript NM_001042750.2 (MANE Select); 8 bases into the intron before coding-DNA position 2026, one base duplicated (A; older notation c.2026-8dupA).
Molecular consequence: intron variant.
Genome position (GRCh38, 1-based): chrX:124,065,868, A duplicated. VCF-style (leftmost placement, unchanged base first): chrX-124065867-T-TA. GRCh37 (hg19) VCF-style: chrX-123199717-T-TA.
Other names: c.2026-8dup (NM_001375369.1, NM_001375375.1, NM_001042751.2 and 13 more transcripts).
Identifiers: ClinVar variation 3603094 (VCV003603094.1).